The following is an entry in ClinVar:

GRCh38/hg38 1q22(chr1:155182457-155787428)x3

Genes: ASH1L (ASH1 like histone lysine methyltransferase; minus strand), ASH1L-AS1 (ASH1L antisense RNA 1; plus strand), CLK2 (CDC like kinase 2; minus strand), DAP3 (death associated protein 3; plus strand), ENTREP3 (endosomal transmembrane epsin interactor 3; minus strand) and 42 more. Cytogenetic location: 1q22.
Variant type: copy number gain.
Change: copy number 3 (three copies instead of two) of chr1:155,182,457-155,787,428 (605.0 kb, GRCh38 coordinates, 1-based), cytogenetic band 1q22.
Identifiers: ClinVar variation 57458 (VCV000057458.1).

ClinVar aggregate classification (germline): Uncertain significance (1 of 4 stars; one submission).

Submission:

ISCA site 4
Classification: Uncertain significance. Last evaluated: 2011-08-12. Review status: criteria provided, single submitter. Criteria: Kaminsky et al. (Genet Med. 2011). Collection method: clinical testing. Allele origin: maternal. Affected: yes. Observed: 1 variant allele.
Comment: Copy number variation identified through the course of routine clinical cytogenomic testing in postnatal populations. Clinical assertions have been curated as described in Kaminsky et al. 2011.